The following is an entry in ClinVar:

NM_001267550.2(TTN):c.104546A>C (p.Glu34849Ala)

Genes: TTN (titin; minus strand), TTN-AS1 (TTN antisense RNA 1; plus strand). Cytogenetic location: 2q31.2.
Variant type: single nucleotide variant.
Coding change: c.104546A>C on transcript NM_001267550.2 (MANE Select); coding-DNA position 104546, A replaced by C.
Protein change: p.Glu34849Ala; replaces glutamic acid 34849 with alanine.
Molecular consequence: missense variant.
Genome position (GRCh38, 1-based): chr2:178,532,069, T>G on the plus strand (A>C on the coding strand, the complement: TTN is on the minus strand). VCF-style: chr2-178532069-T-G. GRCh37 (hg19) VCF-style: chr2-179396796-T-G.
Other names: c.99623A>C, p.Glu33208Ala (NM_001256850.1); c.77351A>C, p.Glu25784Ala (NM_003319.4); c.96842A>C, p.Glu32281Ala (NM_133378.4); c.77726A>C, p.Glu25909Ala (NM_133432.3); c.77927A>C, p.Glu25976Ala (NM_133437.4); short protein forms E32281A, E34849A, E25976A, E25784A, E33208A, E25909A.
Identifiers: ClinVar variation 501824 (VCV000501824.9), dbSNP rs1553487855, ClinGen allele CA349411435.

ClinVar aggregate classification (germline): Uncertain significance. Review status: criteria provided, multiple submitters, no conflicts (2 of 4 stars). 2 submissions from 2 submitters: Uncertain significance (2). Last evaluated 2022-10-17.

Conditions:
Autosomal recessive limb-girdle muscular dystrophy type 2J (LGMDR10). Also called: MUSCULAR DYSTROPHY, LIMB-GIRDLE, AUTOSOMAL RECESSIVE 10; Limb-girdle muscular dystrophy, type 2J. Identifiers: Orphanet 140922, MedGen C1837342, MONDO:0012127, OMIM 608807.
Dilated cardiomyopathy 1G (CMD1G). Identifiers: Orphanet 154, MedGen C1858763, MONDO:0011400, OMIM 604145.

Submissions (2):

Labcorp Genetics (formerly Invitae), Labcorp
Classification: Uncertain significance for Dilated cardiomyopathy 1G; Autosomal recessive limb-girdle muscular dystrophy type 2J. Last evaluated: 2022-10-17. Review status: criteria provided, single submitter. Criteria: Invitae Variant Classification Sherloc (09022015). Collection method: clinical testing. Allele origin: germline.
Comment: In summary, the available evidence is currently insufficient to determine the role of this variant in disease. Therefore, it has been classified as a Variant of Uncertain Significance. This variant is located in the M band of TTN (PMID: 25589632). Variants in this region may be relevant for neuromuscular disorders, but have not been definitively shown to cause cardiomyopathy (PMID: 23975875). Experimental studies and prediction algorithms are not available or were not evaluated, and the functional significance of this variant is currently unknown. ClinVar contains an entry for this variant (Variation ID: 501824). This variant has not been reported in the literature in individuals affected with TTN-related conditions. This variant is not present in population databases (gnomAD no frequency). This sequence change replaces glutamic acid, which is acidic and polar, with alanine, which is neutral and non-polar, at codon 34849 of the TTN protein (p.Glu34849Ala).

Eurofins Ntd Llc (ga)
Classification: Uncertain significance. Last evaluated: 2017-05-04. Review status: criteria provided, single submitter. Criteria: EGL Classification Definitions 2015. Collection method: clinical testing. Allele origin: germline. Observed: 1 variant allele, 1 heterozygote.

Literature cited by the submitters: PubMed 25589632 (cited by Labcorp Genetics (formerly Invitae), Labcorp); PubMed 23975875 (cited by Labcorp Genetics (formerly Invitae), Labcorp).